The following is an entry in ClinVar:

NM_198576.4(AGRN):c.5645C>T (p.Thr1882Ile)

Gene: AGRN (agrin; plus strand). Cytogenetic location: 1p36.33.
Variant type: single nucleotide variant.
Coding change: c.5645C>T on transcript NM_198576.4 (MANE Select); coding-DNA position 5645, C replaced by T.
Protein change: p.Thr1882Ile; replaces threonine 1882 with isoleucine.
Molecular consequence: missense variant.
Genome position (GRCh38, 1-based): chr1:1,051,809, C>T. VCF-style: chr1-1051809-C-T. GRCh37 (hg19) VCF-style: chr1-987189-C-T.
Other names: c.5657C>T, p.Thr1886Ile (NM_001305275.2); c.5342C>T, p.Thr1781Ile (NM_001364727.2); short protein forms T1882I, T1886I, T1781I.
Identifiers: ClinVar variation 541162 (VCV000541162.10), dbSNP rs540580770, ClinGen allele CA510119.

ClinVar aggregate classification (germline): Uncertain significance. Review status: criteria provided, multiple submitters, no conflicts (2 of 4 stars). 4 submissions from 4 submitters: Uncertain significance (4). Last evaluated 2023-05-20.

Conditions:
Congenital myasthenic syndrome 8. Also called: Myasthenic syndrome, congenital, 8, with pre- and postsynaptic defects; MYASTHENIC SYNDROME, CONGENITAL, DUE TO AGRIN DEFICIENCY. Identifiers: Orphanet 590, MedGen C3808739, MONDO:0014052, OMIM 615120.

Allele frequency attached by ClinVar (database versions not stated): gnomAD 0.00003 and 0.00007; TOPMed 0.00003; gnomAD exomes 0.00015 and 0.00022; ExAC 0.00022; 1000 Genomes Project 30x 0.00031; 1000 Genomes Project 0.00040.
gnomAD v4.1: 225 of 1,613,702 alleles (0.014%); highest among the groups gnomAD compares: South Asian, 0.18%; 1 homozygote.

Submissions (4):

Neuberg Centre For Genomic Medicine, NCGM
Classification: Uncertain significance for Congenital myasthenic syndrome 8. Last evaluated: 2023-05-20. Review status: criteria provided, single submitter. Criteria: ACMG Guidelines, 2015. Collection method: clinical testing. Allele origin: germline. Inheritance: Autosomal recessive inheritance. Affected: yes.
Comment: The observed missense c.5645C>T(p.Thr1882Ile) variant in AGRN gene has not been reported previously as a pathogenic variant nor as a benign variant, to our knowledge. This variant is reported with the allele frequency of 0.02% in the gnomAD Exomes. This variant has been reported to the ClinVar database as Uncertain Significance. However, no details are available for independent assessment. The amino acid Thr at position 1882 is changed to a Ile changing protein sequence and it might alter its composition and physico-chemical properties. The amino acid change p.Thr1882Ile in AGRN is predicted as conserved by GERP++ and PhyloP across 100 vertebrates. Multiple lines of computational evidence (SIFT - Damaging and MutationTaster - Disease causing) predict a damaging effect on protein structure and function for this variant. For these reasons, this variant has been classified as Uncertain Significance.

Labcorp Genetics (formerly Invitae), Labcorp
Classification: Uncertain significance for Congenital myasthenic syndrome 8. Last evaluated: 2022-08-09. Review status: criteria provided, single submitter. Criteria: Invitae Variant Classification Sherloc (09022015). Collection method: clinical testing. Allele origin: germline.
Comment: This sequence change replaces threonine, which is neutral and polar, with isoleucine, which is neutral and non-polar, at codon 1882 of the AGRN protein (p.Thr1882Ile). This variant is present in population databases (rs540580770, gnomAD 0.2%). This variant has not been reported in the literature in individuals affected with AGRN-related conditions. ClinVar contains an entry for this variant (Variation ID: 541162). Algorithms developed to predict the effect of missense changes on protein structure and function output the following: SIFT: "Tolerated"; PolyPhen-2: "Benign"; Align-GVGD: "Class C0". The isoleucine amino acid residue is found in multiple mammalian species, which suggests that this missense change does not adversely affect protein function. In summary, the available evidence is currently insufficient to determine the role of this variant in disease. Therefore, it has been classified as a Variant of Uncertain Significance.

Fulgent Genetics
Classification: Uncertain significance for Congenital myasthenic syndrome 8. Last evaluated: 2018-10-31. Review status: criteria provided, single submitter. Criteria: ACMG Guidelines, 2015. Collection method: clinical testing. Allele origin: unknown.

Breakthrough Genomics
Classification: Uncertain significance. Review status: criteria provided, single submitter. Criteria: ACMG Guidelines, 2015. Collection method: not provided. Allele origin: germline. Inheritance: Autosomal recessive inheritance. Affected: yes.